The following is an entry in ClinVar:

Conditions:
Arteriohepatic dysplasia. Also called: Alagille Syndrome. Identifiers: Orphanet 52, MedGen C0085280, MeSH D016738, MONDO:0007318.

Submission:

Gilbert/Spinner Lab, Children's Hospital of Philadelphia
No classification provided (evidence only). Condition: Alagille syndrome. Review status: no classification provided. Collection method: research. Allele origin: not applicable. Functional consequence: functionally_abnormal.
ClinVar note: "not provided" was previously submitted as the classification for the variant. However, the classification appeared to be based only on an observation of functional data so it was converted to no classification on 2025-07-30.

NM_000214.3(JAG1):c.758G>T (p.Cys253Phe)

Gene: JAG1 (jagged canonical Notch ligand 1; minus strand). Cytogenetic location: 20p12.2.
Variant type: single nucleotide variant.
Coding change: c.758G>T on transcript NM_000214.3 (MANE Select); coding-DNA position 758, G replaced by T.
Protein change: p.Cys253Phe; replaces cysteine 253 with phenylalanine.
Molecular consequence: missense variant.
Genome position (GRCh38, 1-based): chr20:10,652,596, C>A on the plus strand (G>T on the coding strand, the complement: JAG1 is on the minus strand). VCF-style: chr20-10652596-C-A. GRCh37 (hg19) VCF-style: chr20-10633244-C-A.
Other names: short protein forms C253F.
Identifiers: ClinVar variation 3573088 (VCV003573088.2).
Genomic context (GRCh38, chr20:10,652,596, plus strand): 5'-TGGACGCATCCCGGGTGTGGGATGCACTTATCACAGTACAGGCCTTGCCAGCCGTACTGG[C>A]ACCTGGAGACACACAGCACACCTCCAGGTTAGCCTTTTGAACGTTAAGAGACACCTGTAC-3'
Protein context (NP_000205.1, residues 243-263): GSCKLPGDCR[Cys253Phe]QYGWQGLYCD